The following is an entry in ClinVar:

NM_000388.4(CASR):c.1456G>T (p.Val486Leu)

Gene: CASR (calcium sensing receptor; plus strand). Cytogenetic location: 3q21.1.
Variant type: single nucleotide variant.
Coding change: c.1456G>T on transcript NM_000388.4 (MANE Select); coding-DNA position 1456, G replaced by T.
Protein change: p.Val486Leu; replaces valine 486 with leucine.
Molecular consequence: missense variant.
Genome position (GRCh38, 1-based): chr3:122,275,890, G>T. VCF-style: chr3-122275890-G-T. GRCh37 (hg19) VCF-style: chr3-121994737-G-T.
Other names: p.Val486Leu; c.1456G>T, p.Val486Leu (NM_001178065.2); short protein forms V486L.
Identifiers: ClinVar variation 579416 (VCV000579416.14), dbSNP rs201829972, ClinGen allele CA2569663.
Genomic context (GRCh38, chr3:122,275,890, plus strand): 5'-CATCTAAACTTTACAAACAATATGGGGGAGCAGGTGACCTTTGATGAGTGTGGTGACCTG[G>T]TGGGGAACTATTCCATCATCAACTGGCACCTCTCCCCAGAGGATGGCTCCATCGTGTTTA-3'
Protein context (NP_000379.3, residues 476-496): QVTFDECGDL[Val486Leu]GNYSIINWHL

ClinVar aggregate classification (germline): Uncertain significance. Review status: criteria provided, multiple submitters, no conflicts (2 of 4 stars). 4 submissions from 4 submitters: Uncertain significance (4). Last evaluated 2024-01-16.

Conditions:
Neonatal severe primary hyperparathyroidism. Identifiers: Orphanet 417, MedGen C1832615, MONDO:0009397, OMIM 239200.
Epilepsy, idiopathic generalized, susceptibility to, 8. Identifiers: MedGen C2752062, MONDO:0013032, OMIM 612899.
Familial hypocalciuric hypercalcemia 1. Also called: Hypercalcemia, familial benign type 1. Identifiers: Orphanet 405, Orphanet 93372, MedGen C0342637, MONDO:0007791, OMIM 145980.
Autosomal dominant hypocalcemia 1 (HYPOC1). Also called: HYPOCALCEMIA, FAMILIAL. Identifiers: MedGen C3715128, MONDO:0011013, OMIM 601198.
Familial hypocalciuric hypercalcemia (FHH). Also called: Familial benign hypercalcemia. Identifiers: Orphanet 405, MedGen C1809471, MONDO:0018458.
Nephrolithiasis/nephrocalcinosis. Identifiers: MedGen CN580796.

Allele frequency attached by ClinVar (database versions not stated): ExAC 0.00001; gnomAD exomes 0.00001 and 0.00002; TOPMed 0.00003.
gnomAD v4.1: 7 of 1,614,110 alleles (0.00043%); highest among the groups gnomAD compares: Admixed American, 0.0033%; no homozygotes.

Submissions (4):

Fulgent Genetics
Classification: Uncertain significance for Familial hypocalciuric hypercalcemia 1; Neonatal severe primary hyperparathyroidism; Autosomal dominant hypocalcemia 1; Epilepsy, idiopathic generalized, susceptibility to, 8. Last evaluated: 2024-01-16. Review status: criteria provided, single submitter. Criteria: ACMG Guidelines, 2015. Collection method: clinical testing. Allele origin: germline.

Ambry Genetics
Classification: Uncertain significance for Nephrolithiasis/nephrocalcinosis. Last evaluated: 2023-09-27. Review status: criteria provided, single submitter. Criteria: Ambry Variant Classification Scheme 2023. Collection method: clinical testing. Allele origin: germline.
Comment: The p.V486L variant (also known as c.1456G>T), located in coding exon 4 of the CASR gene, results from a G to T substitution at nucleotide position 1456. The valine at codon 486 is replaced by leucine, an amino acid with highly similar properties. This amino acid position is conserved. In addition, this alteration is predicted to be tolerated by in silico analysis. Since supporting evidence is limited at this time, the clinical significance of this alteration remains unclear.

Labcorp Genetics (formerly Invitae), Labcorp
Classification: Uncertain significance for Familial hypocalciuric hypercalcemia; Autosomal dominant hypocalcemia 1. Last evaluated: 2023-08-04. Review status: criteria provided, single submitter. Criteria: Invitae Variant Classification Sherloc (09022015). Collection method: clinical testing. Allele origin: germline.
Comment: This sequence change replaces valine, which is neutral and non-polar, with leucine, which is neutral and non-polar, at codon 486 of the CASR protein (p.Val486Leu). This variant is present in population databases (rs201829972, gnomAD 0.006%). This variant has not been reported in the literature in individuals affected with CASR-related conditions. ClinVar contains an entry for this variant (Variation ID: 579416). An algorithm developed to predict the effect of missense changes on protein structure and function (PolyPhen-2) suggests that this variant is likely to be tolerated. In summary, the available evidence is currently insufficient to determine the role of this variant in disease. Therefore, it has been classified as a Variant of Uncertain Significance.

Mayo Clinic Laboratories, Mayo Clinic
Classification: Uncertain significance. Last evaluated: 2023-01-13. Review status: criteria provided, single submitter. Criteria: ACMG Guidelines, 2015. Collection method: clinical testing. Allele origin: germline. Observed: 1 variant allele.
Comment: BP4, PP2